The following is an entry in ClinVar:

ClinVar aggregate classification (germline): Uncertain significance (1 of 4 stars; one submission).

Conditions:
Ehlers-Danlos syndrome, classic type, 1 (EDSCL1). Also called: Ehlers-Danlos syndrome, type 1; EHLERS-DANLOS SYNDROME, GRAVIS TYPE; EHLERS-DANLOS SYNDROME, SEVERE CLASSIC TYPE; EDS I; Ehlers-Danlos Syndrome, Classic Type, COL5A1-Related. Identifiers: MedGen C0268335, MONDO:0019567, OMIM 130000.

Submission:

Labcorp Genetics (formerly Invitae), Labcorp
Classification: Uncertain significance for Ehlers-Danlos syndrome, classic type, 1. Last evaluated: 2019-10-18. Review status: criteria provided, single submitter. Criteria: Invitae Variant Classification Sherloc (09022015). Collection method: clinical testing. Allele origin: germline.
Comment: In summary, the available evidence is currently insufficient to determine the role of this variant in disease. Therefore, it has been classified as a Variant of Uncertain Significance. Algorithms developed to predict the effect of missense changes on protein structure and function (SIFT, PolyPhen-2, Align-GVGD) all suggest that this variant is likely to be disruptive, but these predictions have not been confirmed by published functional studies and their clinical significance is uncertain. This variant has not been reported in the literature in individuals with COL5A2-related conditions. This variant is not present in population databases (ExAC no frequency). This sequence change replaces arginine with glycine at codon 404 of the COL5A2 protein (p.Arg404Gly). The arginine residue is highly conserved and there is a moderate physicochemical difference between arginine and glycine.

NM_000393.5(COL5A2):c.1210A>G (p.Arg404Gly)

Gene: COL5A2 (collagen type V alpha 2 chain; minus strand). Cytogenetic location: 2q32.2.
Variant type: single nucleotide variant.
Coding change: c.1210A>G on transcript NM_000393.5 (MANE Select); coding-DNA position 1210, A replaced by G.
Protein change: p.Arg404Gly; replaces arginine 404 with glycine.
Molecular consequence: missense variant.
Genome position (GRCh38, 1-based): chr2:189,068,833, T>C on the plus strand (A>G on the coding strand, the complement: COL5A2 is on the minus strand). VCF-style: chr2-189068833-T-C. GRCh37 (hg19) VCF-style: chr2-189933559-T-C.
Other names: short protein forms R404G.
Identifiers: ClinVar variation 938055 (VCV000938055.11), dbSNP rs1686209467, ClinGen allele CA349853672.
Genomic context (GRCh38, chr2:189,068,833, plus strand): 5'-GCTAGAAACTTACAGGAAGACCTGGAGAGCCAACTGGACCTGGGGGCCCAGTTTCACCTC[T>C]CTGCCCCTGAGGACCTTCAGGGCCTCGCGCCCCTGTAGGACCTGCTTCTCCCTAAAAGGG-3'
Protein context (NP_000384.2, residues 394-414): ARGPEGPQGQ[Arg404Gly]GETGPPGPVG